The following is an entry in ClinVar:

NM_001277115.2(DNAH11):c.9737G>A (p.Gly3246Glu)

Gene: DNAH11 (dynein axonemal heavy chain 11; plus strand). Cytogenetic location: 7p15.3.
Variant type: single nucleotide variant.
Coding change: c.9737G>A on transcript NM_001277115.2 (MANE Select); coding-DNA position 9737, G replaced by A.
Protein change: p.Gly3246Glu; replaces glycine 3246 with glutamic acid.
Molecular consequence: missense variant.
Genome position (GRCh38, 1-based): chr7:21,786,763, G>A. VCF-style: chr7-21786763-G-A. GRCh37 (hg19) VCF-style: chr7-21826381-G-A.
Other names: short protein forms G3246E.
Identifiers: ClinVar variation 4241999 (VCV004241999.1).
Genomic context (GRCh38, chr7:21,786,763, plus strand): 5'-TGGCTCCTCGGGGAAGAGTGCCCAAAGACCGAAGTTGGAAAGCAGCTAAAGTCTTCATGG[G>A]AAAGGTATCAGCCCAGCCTGGCAAGATGAAAATCCTGATAATTTCCATACTGTTTTCAGT-3'
Protein context (NP_001264044.1, residues 3236-3256): RSWKAAKVFM[Gly3246Glu]KVDDFLQALI

ClinVar aggregate classification (germline): Uncertain significance (1 of 4 stars; one submission).

Conditions:
Primary ciliary dyskinesia. Also called: Ciliary dyskinesia. Identifiers: Orphanet 244, MedGen C0008780, MONDO:0016575, HP:0012265.

Submission:

Ambry Genetics
Classification: Uncertain significance for Primary ciliary dyskinesia. Last evaluated: 2025-08-19. Review status: criteria provided, single submitter. Criteria: Ambry Variant Classification Scheme 2023. Collection method: clinical testing. Allele origin: germline.
Comment: The p.G3246E variant (also known as c.9737G>A), located in coding exon 59 of the DNAH11 gene, results from a G to A substitution at nucleotide position 9737. The glycine at codon 3246 is replaced by glutamic acid, an amino acid with similar properties. This amino acid position is conserved. In addition, the in silico prediction for this alteration is inconclusive. Based on the available evidence, the clinical significance of this variant remains unclear.